The following is an entry in ClinVar:

NM_001035.3(RYR2):c.13981T>C (p.Tyr4661His)

Gene: RYR2 (ryanodine receptor 2; plus strand). Cytogenetic location: 1q43.
Variant type: single nucleotide variant.
Coding change: c.13981T>C on transcript NM_001035.3 (MANE Select); coding-DNA position 13981, T replaced by C.
Protein change: p.Tyr4661His; replaces tyrosine 4661 with histidine.
Molecular consequence: missense variant.
Genome position (GRCh38, 1-based): chr1:237,798,061, T>C. VCF-style: chr1-237798061-T-C. GRCh37 (hg19) VCF-style: chr1-237961361-T-C.
Other names: short protein forms Y4661H.
Identifiers: ClinVar variation 3070428 (VCV003070428.2), dbSNP rs2528016772, ClinGen allele CA345419549.

ClinVar aggregate classification (germline): Uncertain significance (1 of 4 stars; one submission).

Conditions:
Catecholaminergic polymorphic ventricular tachycardia (CVPT). Also called: Catecholamine-induced polymorphic ventricular tachycardia. Identifiers: Orphanet 3286, MedGen C5574922, MONDO:0017990.

Submission:

All of Us Research Program, National Institutes of Health
Classification: Uncertain significance for Catecholaminergic polymorphic ventricular tachycardia. Last evaluated: 2024-05-14. Review status: criteria provided, single submitter. Criteria: ACMG Guidelines, 2015. Collection method: clinical testing. Allele origin: germline. Inheritance: Autosomal dominant inheritance. Observed: 3 variant alleles, 3 heterozygotes.
Comment: This missense variant replaces tyrosine with histidine at codon 4661 of the RYR2 protein. Computational prediction suggests that this variant may have deleterious impact on protein structure and function (internally defined REVEL score threshold >= 0.7, PMID: 27666373). To our knowledge, functional studies have not been reported for this variant. This variant has not been reported in individuals affected with RYR2-related disorders in the literature. This variant has not been identified in the general population by the Genome Aggregation Database (gnomAD). The available evidence is insufficient to determine the role of this variant in disease conclusively. Therefore, this variant is classified as a Variant of Uncertain Significance.

This study involves interpretation of variants in research participants for the purpose of population health screening. Participant phenotype was not available at the time of variant classification. Additional details can be found in publication PMID: 35346344, PMCID: PMC8962531